The following is an entry in ClinVar:

ClinVar aggregate classification (germline): Uncertain significance. Review status: criteria provided, multiple submitters, no conflicts (2 of 4 stars). 2 submissions from 2 submitters: Uncertain significance (2). Last evaluated 2022-06-23.

Submissions (2):

Labcorp Genetics (formerly Invitae), Labcorp
Classification: Uncertain significance. Last evaluated: 2022-06-23. Review status: criteria provided, single submitter. Criteria: Invitae Variant Classification Sherloc (09022015). Collection method: clinical testing. Allele origin: germline.
Comment: This variant, c.1594_1599del, results in the deletion of 2 amino acid(s) of the AUTS2 protein (p.Gln532_His533del), but otherwise preserves the integrity of the reading frame. In summary, the available evidence is currently insufficient to determine the role of this variant in disease. Therefore, it has been classified as a Variant of Uncertain Significance. Experimental studies and prediction algorithms are not available or were not evaluated, and the functional significance of this variant is currently unknown. This variant has not been reported in the literature in individuals affected with AUTS2-related conditions. This variant is present in population databases (rs766349738, gnomAD 0.008%).

Breakthrough Genomics
Classification: Uncertain significance. Review status: criteria provided, single submitter. Criteria: ACMG Guidelines, 2015. Collection method: not provided. Allele origin: germline. Inheritance: Autosomal dominant inheritance. Affected: yes.

NM_015570.4(AUTS2):c.1576CAGCAC[3] (p.526QH[3])

Gene: AUTS2 (activator of transcription and developmental regulator AUTS2; plus strand). Cytogenetic location: 7q11.22.
Variant type: Microsatellite.
Coding change: c.1576CAGCAC[3] on transcript NM_015570.4 (MANE Select); three copies in a row of the 6-base unit CAGCAC starting at c.1576; the reference has four copies in a row; one copy, 6 bases deleted.
Protein change: p.526QH[3].
Molecular consequence: inframe deletion.
Genome position (GRCh38, 1-based): chr7:70,766,239-70,766,244, CAGCAC deleted; deleting any 6 consecutive bases within chr7:70,766,221-70,766,244 gives the same sequence; the position shown is the placement nearest the transcript's 3' end. VCF-style (leftmost placement, unchanged base first): chr7-70766220-TCAGCAC-T. GRCh37 (hg19) VCF-style: chr7-70231206-TCAGCAC-T.
Other names: c.1576CAGCAC[3], p.526QH[3] (NM_001127231.3).
Identifiers: ClinVar variation 1042071 (VCV001042071.9), dbSNP rs766349738, ClinGen allele CA4280704.